The following is an entry in ClinVar:

ClinVar aggregate classification (germline): Uncertain significance (1 of 4 stars; one submission).

Conditions:
Familial adenomatous polyposis 1 (FAP1). Also called: FAMILIAL ADENOMATOUS POLYPOSIS 1, ATTENUATED; POLYPOSIS, ADENOMATOUS INTESTINAL. Identifiers: MedGen C2713442, MONDO:0021056, OMIM 175100. Disease mechanism: loss of function.

Submission:

Labcorp Genetics (formerly Invitae), Labcorp
Classification: Uncertain significance for Familial adenomatous polyposis 1. Last evaluated: 2022-06-24. Review status: criteria provided, single submitter. Criteria: Invitae Variant Classification Sherloc (09022015). Collection method: clinical testing. Allele origin: germline.
Comment: In summary, the available evidence is currently insufficient to determine the role of this variant in disease. Therefore, it has been classified as a Variant of Uncertain Significance. Algorithms developed to predict the effect of missense changes on protein structure and function (SIFT, PolyPhen-2, Align-GVGD) all suggest that this variant is likely to be tolerated. This variant has not been reported in the literature in individuals affected with APC-related conditions. This variant is not present in population databases (gnomAD no frequency). This sequence change replaces glutamic acid, which is acidic and polar, with glutamine, which is neutral and polar, at codon 287 of the APC protein (p.Glu287Gln).

NM_000038.6(APC):c.859G>C (p.Glu287Gln)

Gene: APC (APC regulator of Wnt signaling pathway; plus strand). Cytogenetic location: 5q22.2.
Variant type: single nucleotide variant.
Coding change: c.859G>C on transcript NM_000038.6 (MANE Select); coding-DNA position 859, G replaced by C.
Protein change: p.Glu287Gln; replaces glutamic acid 287 with glutamine.
Molecular consequence: missense variant.
Genome position (GRCh38, 1-based): chr5:112,815,519, G>C. VCF-style: chr5-112815519-G-C. GRCh37 (hg19) VCF-style: chr5-112151216-G-C.
Other names: c.859G>C, p.Glu287Gln (NM_001127510.3, NM_001354895.2, NM_001354896.2 and 12 more transcripts); c.805G>C, p.Glu269Gln (NM_001127511.3); c.889G>C, p.Glu297Gln (NM_001354897.2, NM_001354902.2, NM_001407446.1); c.784G>C, p.Glu262Gln (NM_001354898.2, NM_001354904.2, NM_001407451.1); c.775G>C, p.Glu259Gln (NM_001354899.2, NM_001407452.1, NM_001407467.1 and 1 more transcripts); c.682G>C, p.Glu228Gln (NM_001354900.2, NM_001354901.2, NM_001354905.2 and 1 more transcripts); c.10G>C, p.Glu4Gln (NM_001354906.2, NM_001407470.1, NM_001407471.1 and 1 more transcripts); short protein forms E297Q, E228Q, E269Q, E287Q, E4Q, E259Q, E262Q.
Identifiers: ClinVar variation 2010319 (VCV002010319.4), dbSNP rs2149762752, ClinGen allele CA16023198.